The following is an entry in ClinVar:

NM_000038.6(APC):c.8311A>G (p.Ser2771Gly)

Gene: APC (APC regulator of Wnt signaling pathway; plus strand). Cytogenetic location: 5q22.2.
Variant type: single nucleotide variant.
Coding change: c.8311A>G on transcript NM_000038.6 (MANE Select); coding-DNA position 8311, A replaced by G.
Protein change: p.Ser2771Gly; replaces serine 2771 with glycine.
Molecular consequence: missense variant.
Genome position (GRCh38, 1-based): chr5:112,843,905, A>G. VCF-style: chr5-112843905-A-G. GRCh37 (hg19) VCF-style: chr5-112179602-A-G.
Other names: c.8311A>G, p.Ser2771Gly (NM_001127510.3, NM_001354895.2); c.8257A>G, p.Ser2753Gly (NM_001127511.3); c.8365A>G, p.Ser2789Gly (NM_001354896.2); c.8341A>G, p.Ser2781Gly (NM_001354897.2); c.8236A>G, p.Ser2746Gly (NM_001354898.2); c.8227A>G, p.Ser2743Gly (NM_001354899.2); c.8188A>G, p.Ser2730Gly (NM_001354900.2); c.8134A>G, p.Ser2712Gly (NM_001354901.2); and 5 more; short protein forms S2753G, S2771G, S2730G, S2712G, S2488G, S2645G, S2670G, S2746G.
Identifiers: ClinVar variation 418674 (VCV000418674.12), dbSNP rs777215740, ClinGen allele CA050422.

ClinVar aggregate classification (germline): Uncertain significance. Review status: criteria provided, multiple submitters, no conflicts (2 of 4 stars). 5 submissions from 5 submitters: Uncertain significance (5). Last evaluated 2025-03-30.

Conditions:
Hereditary cancer-predisposing syndrome. Also called: Hereditary neoplastic syndrome; Tumor predisposition; Neoplastic Syndromes, Hereditary; Hereditary Cancer Syndrome. Identifiers: Orphanet 140162, MedGen C0027672, MeSH D009386, MONDO:0015356.
Classic or attenuated familial adenomatous polyposis. Identifiers: MedGen CN372698, MONDO:0021057.
Familial adenomatous polyposis 1 (FAP1). Also called: FAMILIAL ADENOMATOUS POLYPOSIS 1, ATTENUATED; POLYPOSIS, ADENOMATOUS INTESTINAL. Identifiers: MedGen C2713442, MONDO:0021056, OMIM 175100. Disease mechanism: loss of function.

Allele frequency attached by ClinVar (database versions not stated): gnomAD exomes below 0.00001; ExAC 0.00001.
gnomAD v4.1: 2 of 1,613,888 alleles (0.00012%); highest among the groups gnomAD compares: Non-Finnish European, 0.00017%; no homozygotes.

Submissions (5):

Ambry Genetics
Classification: Uncertain significance for Hereditary cancer-predisposing syndrome. Last evaluated: 2025-03-30. Review status: criteria provided, single submitter. Criteria: Ambry Variant Classification Scheme 2023. Collection method: clinical testing. Allele origin: germline.
Comment: The p.S2771G variant (also known as c.8311A>G), located in coding exon 15 of the APC gene, results from an A to G substitution at nucleotide position 8311. The serine at codon 2771 is replaced by glycine, an amino acid with similar properties. This amino acid position is well conserved in available vertebrate species. In addition, in silico predictors for this gene do not accurately predict pathogenicity. Missense alterations in APC are not a common cause of disease (Spier I et al. Genet Med. 2024 Feb;26(2):100992). Based on the available evidence, the clinical significance of this variant remains unclear.

All of Us Research Program, National Institutes of Health
Classification: Uncertain significance for Classic or attenuated familial adenomatous polyposis. Last evaluated: 2023-12-07. Review status: criteria provided, single submitter. Criteria: ACMG Guidelines, 2015. Collection method: clinical testing. Allele origin: germline. Inheritance: Autosomal dominant inheritance. Observed: 1 variant allele, 1 heterozygote.
Comment: This study involves interpretation of variants in research participants for the purpose of population health screening. Participant phenotype was not available at the time of variant classification. Additional details can be found in publication PMID: 35346344, PMCID: PMC8962531

Labcorp Genetics (formerly Invitae), Labcorp
Classification: Uncertain significance for Familial adenomatous polyposis 1. Last evaluated: 2023-02-27. Review status: criteria provided, single submitter. Criteria: Invitae Variant Classification Sherloc (09022015). Collection method: clinical testing. Allele origin: germline.
Comment: This sequence change replaces serine, which is neutral and polar, with glycine, which is neutral and non-polar, at codon 2771 of the APC protein (p.Ser2771Gly). This variant is present in population databases (rs777215740, gnomAD 0.0009%). In summary, the available evidence is currently insufficient to determine the role of this variant in disease. Therefore, it has been classified as a Variant of Uncertain Significance. Advanced modeling of protein sequence and biophysical properties (such as structural, functional, and spatial information, amino acid conservation, physicochemical variation, residue mobility, and thermodynamic stability) performed at Invitae indicates that this missense variant is not expected to disrupt APC protein function. ClinVar contains an entry for this variant (Variation ID: 418674). This variant has not been reported in the literature in individuals affected with APC-related conditions.

Color Diagnostics, LLC DBA Color Health
Classification: Uncertain significance for Hereditary cancer-predisposing syndrome. Last evaluated: 2019-03-16. Review status: criteria provided, single submitter. Criteria: ACMG Guidelines, 2015. Collection method: clinical testing. Allele origin: germline.

GeneDx
Classification: Uncertain significance. Last evaluated: 2015-03-17. Review status: criteria provided, single submitter. Criteria: GeneDx Variant Classification (06012015). Collection method: clinical testing. Allele origin: germline. Affected: yes.
Comment: This variant is denoted APC c.8311A>G at the cDNA level, p.Ser2771Gly (S2771G) at the protein level, and results in the change of a Serine to a Glycine (AGT>GGT). This variant has not, to our knowledge, been published in the literature as pathogenic or benign. APC Ser2771Gly was not observed in approximately 6,500 individuals of European and African American ancestry in the NHLBI Exome Sequencing Project, indicating it is not a common benign variant in these populations. Since Serine and Glycine differ in polarity, charge, size or other properties, this is considered a non-conservative amino acid substitution. APC Ser2771Gly occurs at a position that is conserved across species and is located in the EB1 and HDLG binding domains (Azzopardi 2008). In silico analyses are inconsistent regarding the effect this variant may have on protein structure and function. Based on currently available information, it is unclear whether APC Ser2771Gly is pathogenic or benign. We consider it to be a variant of uncertain significance.